The following is an entry in ClinVar:

ClinVar aggregate classification (germline): Uncertain significance. Review status: criteria provided, multiple submitters, no conflicts (2 of 4 stars). 2 submissions from 2 submitters: Uncertain significance (2). Last evaluated 2026-01-27.

Conditions:
Hereditary cancer-predisposing syndrome. Also called: Neoplastic Syndromes, Hereditary; Tumor predisposition; Hereditary neoplastic syndrome; Hereditary Cancer Syndrome. Identifiers: Orphanet 140162, MedGen C0027672, MeSH D009386, MONDO:0015356.

Submissions (2):

Women's Health and Genetics/Laboratory Corporation of America, LabCorp
Classification: Uncertain significance. Last evaluated: 2026-01-27. Review status: criteria provided, single submitter. Criteria: LabCorp Variant Classification Summary - May 2015. Collection method: clinical testing. Allele origin: germline.
Comment: Variant summary: ATM c.1136A>T (p.Asp379Val) results in a non-conservative amino acid change in the encoded protein sequence. Algorithms developed to predict the effect of missense changes on protein structure and function are either unavailable or do not agree on the potential impact of this missense change. The variant was absent in 251284 control chromosomes. The available data on variant occurrences in the general population are insufficient to allow any conclusion about variant significance. To our knowledge, no occurrence of c.1136A>T in individuals affected with ATM-related conditions and no experimental evidence demonstrating its impact on protein function have been reported. ClinVar contains an entry for this variant (Variation ID: 3325173). Based on the evidence outlined above, the variant was classified as uncertain significance.

Ambry Genetics
Classification: Uncertain significance for Hereditary cancer-predisposing syndrome. Last evaluated: 2024-03-25. Review status: criteria provided, single submitter. Criteria: Ambry Variant Classification Scheme 2023. Collection method: clinical testing. Allele origin: germline.
Comment: The p.D379V variant (also known as c.1136A>T), located in coding exon 8 of the ATM gene, results from an A to T substitution at nucleotide position 1136. The aspartic acid at codon 379 is replaced by valine, an amino acid with highly dissimilar properties. This amino acid position is conserved. In addition, this alteration is predicted to be tolerated by in silico analysis. Based on the available evidence, the clinical significance of this alteration remains unclear.

NM_000051.4(ATM):c.1136A>T (p.Asp379Val)

Gene: ATM (ATM serine/threonine kinase; plus strand). Cytogenetic location: 11q22.3.
Variant type: single nucleotide variant.
Coding change: c.1136A>T on transcript NM_000051.4 (MANE Select); coding-DNA position 1136, A replaced by T.
Protein change: p.Asp379Val; replaces aspartic acid 379 with valine.
Molecular consequence: missense variant.
Genome position (GRCh38, 1-based): chr11:108,249,003, A>T. VCF-style: chr11-108249003-A-T. GRCh37 (hg19) VCF-style: chr11-108119730-A-T.
Other names: c.1136A>T, p.Asp379Val (NM_001351834.2); short protein forms D379V.
Identifiers: ClinVar variation 3325173 (VCV003325173.2).
Genomic context (GRCh38, chr11:108,249,003, plus strand): 5'-AAGATACCAGATCCTTGGAGATTTCTCAATCTTACACTACTACACAAAGAGAATCTAGTG[A>T]TTACAGTGTCCCTTGCAAAAGGAAGAAAATAGAACTAGGCTGGGAAGTAATAAAAGATCA-3'
Protein context (NP_000042.3, residues 369-389): SYTTTQRESS[Asp379Val]YSVPCKRKKI